The following is an entry in ClinVar:

ClinVar aggregate classification (germline): Uncertain significance (1 of 4 stars; one submission).

Conditions:
Dyskeratosis congenita, autosomal recessive 6 (DKCB6). Identifiers: MedGen C4225356, MONDO:0014600, OMIM 616353.
Pulmonary fibrosis and/or bone marrow failure, Telomere-related, 4. Also called: PULMONARY FIBROSIS AND/OR BONE MARROW FAILURE SYNDROME, TELOMERE-RELATED, 4. Identifiers: Orphanet 2032, MedGen C4225347, MONDO:0014612, OMIM 616371.

Submission:

Labcorp Genetics (formerly Invitae), Labcorp
Classification: Uncertain significance for Dyskeratosis congenita, autosomal recessive 6; Pulmonary fibrosis and/or bone marrow failure, Telomere-related, 4. Last evaluated: 2022-10-27. Review status: criteria provided, single submitter. Criteria: Invitae Variant Classification Sherloc (09022015). Collection method: clinical testing. Allele origin: germline.
Comment: This sequence change replaces glutamic acid, which is acidic and polar, with leucine, which is neutral and non-polar, at codon 263 of the PARN protein (p.Glu263Leu). This variant is present in population databases (no rsID available, gnomAD 0.07%). In summary, the available evidence is currently insufficient to determine the role of this variant in disease. Therefore, it has been classified as a Variant of Uncertain Significance. Algorithms developed to predict the effect of missense changes on protein structure and function are either unavailable or do not agree on the potential impact of this missense change (SIFT: "Not Available"; PolyPhen-2: "Benign"; Align-GVGD: "Not Available"). This variant has not been reported in the literature in individuals affected with PARN-related conditions.

NM_002582.4(PARN):c.787_788delinsTT (p.Glu263Leu)

Gene: PARN (poly(A)-specific ribonuclease; minus strand). Cytogenetic location: 16p13.12.
Variant type: Indel.
Coding change: c.787_788delinsTT on transcript NM_002582.4 (MANE Select); coding-DNA positions 787 to 788, GA replaced by TT.
Protein change: p.Glu263Leu; replaces glutamic acid 263 with leucine.
Molecular consequence: missense variant.
Genome position (GRCh38, 1-based): chr16:14,599,956-14,599,957, TC replaced by AA on the plus strand (GA replaced by TT on the coding strand, the reverse complement: PARN is on the minus strand). VCF-style: chr16-14599956-TC-AA. GRCh37 (hg19) VCF-style: chr16-14693813-TC-AA.
Other names: c.604_605delinsTT, p.Glu202Leu (NM_001134477.3); c.649_650delinsTT, p.Glu217Leu (NM_001242992.2); short protein forms E202L, E217L, E263L.
Identifiers: ClinVar variation 2421373 (VCV002421373.10), dbSNP rs2508124457, ClinGen allele CA2580090737.